The following is an entry in ClinVar:

NM_139284.3(LGI4):c.830del (p.Gly277fs)

Gene: LGI4 (leucine rich repeat LGI family member 4; minus strand). Cytogenetic location: 19q13.12.
Variant type: Deletion.
Coding change: c.830del on transcript NM_139284.3 (MANE Select); coding-DNA position 830, one base deleted (G; older notation c.830delG).
Protein change: p.Gly277fs; shifts the reading frame from glycine 277.
Molecular consequence: frameshift variant.
Genome position (GRCh38, 1-based): chr19:35,126,739, C deleted on the plus strand (G on the coding strand, the reverse complement: LGI4 is on the minus strand); the first of 3 consecutive C bases (chr19:35,126,739-35,126,741); deleting any one gives the same sequence. VCF-style (leftmost placement, unchanged base first): chr19-35126738-GC-G. GRCh37 (hg19) VCF-style: chr19-35617642-GC-G.
Other names: short protein forms G277fs.
Identifiers: ClinVar variation 524105 (VCV000524105.2), dbSNP rs1555733773, ClinGen allele CA658799188.

ClinVar aggregate classification (germline): Likely pathogenic (1 of 4 stars; one submission).

Submission:

GeneDx
Classification: Likely pathogenic. Last evaluated: 2018-04-12. Review status: criteria provided, single submitter. Criteria: GeneDx Variant Classification (06012015). Collection method: clinical testing. Allele origin: germline. Affected: yes.
Comment: The c.830delG variant in the LGI4 gene has not been reported previously as a pathogenic variant, nor as a benign variant, to our knowledge. The c.830delG variant causes a frameshift starting with codon Glycine 277, changes this amino acid to a Alanine residue, and creates a premature Stop codon at position 193 of the new reading frame, denoted p.Gly277AlafsX193. This variant is predicted to cause loss of normal protein function through protein truncation. The c.830delG variant is not observed in large population cohorts (Lek et al., 2016). We interpret c.830delG as a likely pathogenic variant.